The following is an entry in ClinVar:

ClinVar aggregate classification (germline): Uncertain significance (1 of 4 stars; one submission).

Allele frequency attached by ClinVar (database versions not stated): gnomAD 0.00001.
gnomAD v4.1: 3 of 1,614,044 alleles (0.00019%); highest among the groups gnomAD compares: Admixed American, 0.0017%; no homozygotes.

Submission:

Labcorp Genetics (formerly Invitae), Labcorp
Classification: Uncertain significance. Last evaluated: 2022-10-24. Review status: criteria provided, single submitter. Criteria: Invitae Variant Classification Sherloc (09022015). Collection method: clinical testing. Allele origin: germline.
Comment: This sequence change replaces arginine, which is basic and polar, with lysine, which is basic and polar, at codon 204 of the RP1 protein (p.Arg204Lys). This variant is not present in population databases (gnomAD no frequency). This variant has not been reported in the literature in individuals affected with RP1-related conditions. ClinVar contains an entry for this variant (Variation ID: 1394578). Algorithms developed to predict the effect of missense changes on protein structure and function (SIFT, PolyPhen-2, Align-GVGD) all suggest that this variant is likely to be disruptive. In summary, the available evidence is currently insufficient to determine the role of this variant in disease. Therefore, it has been classified as a Variant of Uncertain Significance.

NM_006269.2(RP1):c.611G>A (p.Arg204Lys)

Gene: RP1 (RP1 axonemal microtubule associated; plus strand). Cytogenetic location: 8q12.1.
Variant type: single nucleotide variant.
Coding change: c.611G>A on transcript NM_006269.2 (MANE Select); coding-DNA position 611, G replaced by A.
Protein change: p.Arg204Lys; replaces arginine 204 with lysine.
Molecular consequence: missense variant.
Genome position (GRCh38, 1-based): chr8:54,621,577, G>A. VCF-style: chr8-54621577-G-A. GRCh37 (hg19) VCF-style: chr8-55534137-G-A.
Other names: c.611G>A, p.Arg204Lys (NM_001375654.1); short protein forms R204K.
Identifiers: ClinVar variation 1394578 (VCV001394578.6), dbSNP rs1312475126, ClinGen allele CA370987426.